The following is an entry in ClinVar:

NM_173354.5(SIK1):c.2161G>T (p.Val721Leu)

Gene: SIK1 (salt inducible kinase 1; minus strand). Cytogenetic location: 21q22.3.
Variant type: single nucleotide variant.
Coding change: c.2161G>T on transcript NM_173354.5 (MANE Select); coding-DNA position 2161, G replaced by T.
Protein change: p.Val721Leu; replaces valine 721 with leucine.
Molecular consequence: missense variant.
Genome position (GRCh38, 1-based): chr21:43,416,933, C>A on the plus strand (G>T on the coding strand, the complement: SIK1 is on the minus strand). VCF-style: chr21-43416933-C-A. GRCh37 (hg19) VCF-style: chr21-44836813-C-A.
Other names: short protein forms V721L.
Identifiers: ClinVar variation 847877 (VCV000847877.10), dbSNP rs1049188125, ClinGen allele CA321324384.

ClinVar aggregate classification (germline): Uncertain significance (1 of 4 stars; one submission).

Conditions:
Developmental and epileptic encephalopathy, 30 (DEE30). Also called: Epileptic encephalopathy, early infantile, 30. Identifiers: MedGen C4225360, MONDO:0014595, OMIM 616341.

Submission:

Labcorp Genetics (formerly Invitae), Labcorp
Classification: Uncertain significance for Developmental and epileptic encephalopathy, 30. Last evaluated: 2019-04-03. Review status: criteria provided, single submitter. Criteria: Invitae Variant Classification Sherloc (09022015). Collection method: clinical testing. Allele origin: germline.
Comment: In summary, the available evidence is currently insufficient to determine the role of this variant in disease. Therefore, it has been classified as a Variant of Uncertain Significance. Algorithms developed to predict the effect of missense changes on protein structure and function are either unavailable or do not agree on the potential impact of this missense change (SIFT: "Tolerated"; PolyPhen-2: "Probably Damaging"; Align-GVGD: "Class C0"). This variant has not been reported in the literature in individuals with SIK1-related conditions. The frequency data for this variant in the population databases is considered unreliable, as metrics indicate insufficient coverage at this position in the ExAC database. This sequence change replaces valine with leucine at codon 721 of the SIK1 protein (p.Val721Leu). The valine residue is highly conserved and there is a small physicochemical difference between valine and leucine.